The following is an entry in ClinVar:

ClinVar aggregate classification (germline): Conflicting classifications of pathogenicity. Review status: criteria provided, conflicting classifications (1 of 4 stars). 2 submissions from 2 submitters: Uncertain significance (1); Likely benign (1). Last evaluated 2026-01-12.

gnomAD v4.1: 178 of 1,613,620 alleles (0.011%); highest among the groups gnomAD compares: Non-Finnish European, 0.015%; 1 homozygote.

Submissions (2):

Women's Health and Genetics/Laboratory Corporation of America, LabCorp
Classification: Uncertain significance. Last evaluated: 2026-01-12. Review status: criteria provided, single submitter. Criteria: LabCorp Variant Classification Summary - May 2015. Collection method: clinical testing. Allele origin: germline.
Comment: Variant summary: ASXL2 c.546C>T alters a conserved nucleotide resulting in a synonymous change. Several computational tools predict a significant impact on normal splicing: Two predict the variant creates a cryptic 5' donor site. However, these predictions have yet to be confirmed by functional studies. The variant allele was found at a frequency of 6.4e-05 in 249250 control chromosomes. This frequency is not significantly higher than estimated for disease-causing variants in ASXL2, allowing no conclusion about variant significance. To our knowledge, no occurrence of c.546C>T in individuals affected with ASXL2-related conditions and no experimental evidence demonstrating its impact on protein function have been reported. ClinVar contains an entry for this variant (Variation ID: 3650861). Based on the evidence outlined above, the variant was classified as uncertain significance.

Labcorp Genetics (formerly Invitae), Labcorp
Classification: Likely benign. Last evaluated: 2025-04-29. Review status: criteria provided, single submitter. Criteria: Invitae Variant Classification Sherloc (09022015). Collection method: clinical testing. Allele origin: germline.

NM_018263.6(ASXL2):c.546C>T (p.Cys182=)

Gene: ASXL2 (ASXL transcriptional regulator 2; minus strand). Cytogenetic location: 2p23.3.
Variant type: single nucleotide variant.
Coding change: c.546C>T on transcript NM_018263.6 (MANE Select); coding-DNA position 546, C replaced by T.
Protein change: p.Cys182=; no amino-acid change (cysteine 182 retained).
Molecular consequence: synonymous variant. On other transcripts: 5 prime UTR variant (1).
Genome position (GRCh38, 1-based): chr2:25,768,827, G>A on the plus strand (C>T on the coding strand, the complement: ASXL2 is on the minus strand). VCF-style: chr2-25768827-G-A. GRCh37 (hg19) VCF-style: chr2-25991696-G-A.
Other names: c.372C>T, p.Cys124= (NM_001369346.1); c.-235C>T (NM_001369347.1).
Identifiers: ClinVar variation 3650861 (VCV003650861.3).